The following is an entry in ClinVar:

NM_000018.4(ACADVL):c.566T>C (p.Ile189Thr)

Gene: ACADVL (acyl-CoA dehydrogenase very long chain; plus strand). Cytogenetic location: 17p13.1.
Variant type: single nucleotide variant.
Coding change: c.566T>C on transcript NM_000018.4 (MANE Select); coding-DNA position 566, T replaced by C.
Protein change: p.Ile189Thr; replaces isoleucine 189 with threonine.
Molecular consequence: missense variant.
Genome position (GRCh38, 1-based): chr17:7,221,626, T>C. VCF-style: chr17-7221626-T-C. GRCh37 (hg19) VCF-style: chr17-7124945-T-C.
Other names: c.500T>C, p.Ile167Thr (NM_001033859.3); c.635T>C, p.Ile212Thr (NM_001270447.2); c.338T>C, p.Ile113Thr (NM_001270448.2); short protein forms I113T, I189T, I167T, I212T.
Identifiers: ClinVar variation 617953 (VCV000617953.8), dbSNP rs1567563311, ClinGen allele CA397723180.

ClinVar aggregate classification (germline): Likely pathogenic (1 of 4 stars; one submission).

Submission:

ARUP Laboratories, Molecular Genetics and Genomics, ARUP Laboratories
Classification: Likely pathogenic. Last evaluated: 2017-06-20. Review status: criteria provided, single submitter. Criteria: ARUP Molecular Germline Variant Investigation Process. Collection method: clinical testing. Allele origin: germline.
Comment: The ACADVL c.566T>C; p.Ile189Thr variant has been reported in an individual with VLCAD deficiency who also carries a pathogenic splicing variant on the opposite chromosome (Schiff 2013). Furthermore, functional analysis of the patient fibroblasts showed no detectable VLCAD activity, and no activity was detected when the variant was expressed from an in vitro prokaryotic system. The p.Ile189Thr variant is absent from general population databases (Exome Variant Server, Genome Aggregation Database). The isoleucine at codon 189 is highly conserved, and computational algorithms (SIFT, PolyPhen2, MutationTaster) predict this variant to be damaging to the protein. Taken together, this variant is considered likely pathogenic. REFERENCES Schiff M et al. Molecular and cellular pathology of very-long-chain acyl-CoA dehydrogenase deficiency. Mol Genet Metab. 2013 May;109(1):21-7.